The following is an entry in ClinVar:

ClinVar aggregate classification (germline): Uncertain significance. Review status: criteria provided, multiple submitters, no conflicts (2 of 4 stars). 3 submissions from 3 submitters: Uncertain significance (3). Last evaluated 2025-12-06.

Conditions:
Hereditary cancer-predisposing syndrome. Also called: Neoplastic Syndromes, Hereditary; Hereditary neoplastic syndrome; Tumor predisposition; Hereditary Cancer Syndrome. Identifiers: Orphanet 140162, MedGen C0027672, MeSH D009386, MONDO:0015356.
Ataxia-telangiectasia syndrome (AT). Also called: Ataxia telangiectasia (A-T); Cerebello-oculocutaneous telangiectasia; Immunodeficiency with ataxia telangiectasia; LOUIS-BAR SYNDROME; AT, COMPLEMENTATION GROUP C; ATAXIA-TELANGIECTASIA, FRESNO VARIANT. Identifiers: Orphanet 100, MedGen C0004135, MONDO:0008840, OMIM 208900.

Submissions (3):

Labcorp Genetics (formerly Invitae), Labcorp
Classification: Uncertain significance for Ataxia-telangiectasia syndrome. Last evaluated: 2025-12-06. Review status: criteria provided, single submitter. Criteria: Invitae Variant Classification Sherloc (09022015). Collection method: clinical testing. Allele origin: germline.
Comment: This sequence change falls in intron 40 of the ATM gene. It does not directly change the encoded amino acid sequence of the ATM protein. It affects a nucleotide within the consensus splice site. This variant is not present in population databases (gnomAD no frequency). This variant has not been reported in the literature in individuals affected with ATM-related conditions. ClinVar contains an entry for this variant (Variation ID: 246116). Variants that disrupt the consensus splice site are a relatively common cause of aberrant splicing (PMID: 17576681, 9536098). Algorithms developed to predict the effect of sequence changes on RNA splicing suggest that this variant may disrupt the consensus splice site. In summary, the available evidence is currently insufficient to determine the role of this variant in disease. Therefore, it has been classified as a Variant of Uncertain Significance.

Color Diagnostics, LLC DBA Color Health
Classification: Uncertain significance for Hereditary cancer-predisposing syndrome. Last evaluated: 2023-05-05. Review status: criteria provided, single submitter. Criteria: ACMG Guidelines, 2015. Collection method: clinical testing. Allele origin: germline.
Comment: This variant causes the deletion of two nucleotides in intron 40 of the ATM gene. Splice site prediction tools predict that this variant may have a significant impact on RNA splicing. To our knowledge, RNA studies have not been reported for this variant. This variant has not been reported in individuals affected with ATM-related disorders in the literature. This variant has not been identified in the general population by the Genome Aggregation Database (gnomAD). The available evidence is insufficient to determine the role of this variant in disease conclusively. Therefore, this variant is classified as a Variant of Uncertain Significance.

GeneDx
Classification: Uncertain significance. Last evaluated: 2015-11-17. Review status: criteria provided, single submitter. Criteria: GeneDx Variant Classification (06012015). Collection method: clinical testing. Allele origin: germline. Affected: yes.
Comment: This variant is denoted ATM c.6006+4_6006+5delAA or IVS40+4_IVS40+5delAA and consists of a deletion of two nucleotides at the +4 to +5 position in intron 40 of the ATM gene. The normal sequence with the bases that are deleted in braces is Ggta[aa]tatt, where the capital letters are exonic and lowercase are intronic. Multiple in silico models predict this variant to weaken or destroy the nearby natural donor site, and to possibly cause abnormal gene splicing. However, in the absence of RNA or functional studies, the actual effect of this variant is unknown. ATM c.6006+4_6006+5delAA was not observed in approximately 6,500 individuals of European and African American ancestry in the NHLBI Exome Sequencing Project, indicating it is not a common benign variant in these populations. This variant has not, to our knowledge, been published in the literature as pathogenic or benign. The nucleotides that are deleted are not conserved across species. Based on the currently available information, we consider ATM c.6006+4_6006+5delAA to be a variant of uncertain significance.

Literature cited by the submitters: PubMed 17576681 (cited by Labcorp Genetics (formerly Invitae), Labcorp); PubMed 9536098 (cited by Labcorp Genetics (formerly Invitae), Labcorp).

NM_000051.4(ATM):c.6006+4_6006+5del

Genes: ATM (ATM serine/threonine kinase; plus strand), C11orf65 (chromosome 11 open reading frame 65; minus strand). Cytogenetic location: 11q22.3.
Variant type: Deletion.
Coding change: c.6006+4_6006+5del on transcript NM_000051.4 (MANE Select); bases 4 to 5 of the intron after coding-DNA position 6006, 2 bases deleted (AA; older notation c.6006+4_6006+5delAA).
Molecular consequence: intron variant.
Genome position (GRCh38, 1-based): chr11:108,312,502-108,312,503, AA deleted; deleting any 2 consecutive bases within chr11:108,312,501-108,312,503 gives the same sequence; the c. name uses the placement nearest the transcript's 3' end. VCF-style (leftmost placement, unchanged base first): chr11-108312500-TAA-T. GRCh37 (hg19) VCF-style: chr11-108183227-TAA-T.
Other names: c.6006+4_6006+5del (NM_001351834.2); c.641-3431_641-3430del (NM_001330368.2); c.*39-3431_*39-3430del (NM_001351110.2); c.6006+4_6006+5delAA (NM_000051.3).
Identifiers: ClinVar variation 246116 (VCV000246116.9), dbSNP rs879254108, ClinGen allele CA10584354.